The following is an entry in ClinVar:

ClinVar aggregate classification (germline): Uncertain significance (1 of 4 stars; one submission).

Conditions:
Inborn genetic diseases. Identifiers: MedGen C0950123, MeSH D030342.

gnomAD v4.1: 1 of 1,611,794 alleles (0.000062%); no homozygotes.

Submission:

Ambry Genetics
Classification: Uncertain significance for Inborn genetic diseases. Last evaluated: 2024-05-24. Review status: criteria provided, single submitter. Criteria: Ambry Variant Classification Scheme 2023. Collection method: clinical testing. Allele origin: germline.
Comment: The p.E2121G variant (also known as c.6362A>G), located in coding exon 43 of the LRRK2 gene, results from an A to G substitution at nucleotide position 6362. The glutamic acid at codon 2121 is replaced by glycine, an amino acid with similar properties. This amino acid position is conserved. In addition, this alteration is predicted to be tolerated by in silico analysis. Based on the available evidence, the clinical significance of this variant remains unclear.

NM_198578.4(LRRK2):c.6362A>G (p.Glu2121Gly)

Gene: LRRK2 (leucine rich repeat kinase 2; plus strand). Cytogenetic location: 12q12.
Variant type: single nucleotide variant.
Coding change: c.6362A>G on transcript NM_198578.4 (MANE Select); coding-DNA position 6362, A replaced by G.
Protein change: p.Glu2121Gly; replaces glutamic acid 2121 with glycine.
Molecular consequence: missense variant.
Genome position (GRCh38, 1-based): chr12:40,348,490, A>G. VCF-style: chr12-40348490-A-G. GRCh37 (hg19) VCF-style: chr12-40742292-A-G.
Other names: short protein forms E2121G.
Identifiers: ClinVar variation 3291848 (VCV003291848.1).